The following is an entry in ClinVar:

ClinVar aggregate classification (germline): Uncertain significance (1 of 4 stars; one submission).

Conditions:
Hereditary cancer-predisposing syndrome. Also called: Hereditary neoplastic syndrome; Tumor predisposition; Hereditary Cancer Syndrome; Neoplastic Syndromes, Hereditary. Identifiers: Orphanet 140162, MedGen C0027672, MeSH D009386, MONDO:0015356.

Submission:

Ambry Genetics
Classification: Uncertain significance for Hereditary cancer-predisposing syndrome. Last evaluated: 2023-07-01. Review status: criteria provided, single submitter. Criteria: Ambry Variant Classification Scheme 2023. Collection method: clinical testing. Allele origin: germline.
Comment: The p.Q437E variant (also known as c.1309C>G), located in coding exon 12 of the FANCC gene, results from a C to G substitution at nucleotide position 1309. The glutamine at codon 437 is replaced by glutamic acid, an amino acid with highly similar properties. This amino acid position is conserved. In addition, this alteration is predicted to be tolerated by in silico analysis. Since supporting evidence is limited at this time, the clinical significance of this alteration remains unclear.

NM_000136.3(FANCC):c.1309C>G (p.Gln437Glu)

Genes: AOPEP (aminopeptidase O (putative); plus strand), FANCC (FA complementation group C; minus strand). Cytogenetic location: 9q22.32.
Variant type: single nucleotide variant.
Coding change: c.1309C>G on transcript NM_000136.3 (MANE Select); coding-DNA position 1309, C replaced by G.
Protein change: p.Gln437Glu; replaces glutamine 437 with glutamic acid.
Molecular consequence: missense variant.
Genome position (GRCh38, 1-based): chr9:95,111,483, G>C on the plus strand (C>G on the coding strand, the complement: FANCC is on the minus strand). VCF-style: chr9-95111483-G-C. GRCh37 (hg19) VCF-style: chr9-97873765-G-C.
Other names: c.1309C>G, p.Gln437Glu (NM_001243743.2, NM_001243744.2); short protein forms Q437E.
Identifiers: ClinVar variation 2585972 (VCV002585972.2), dbSNP rs944083227, ClinGen allele CA374107261.